The following is an entry in ClinVar:

NM_005159.5(ACTC1):c.809-58TG[31]

Genes: ACTC1 (actin alpha cardiac muscle 1; minus strand), GJD2-DT (GJD2 divergent transcript; plus strand). Cytogenetic location: 15q14.
Variant type: Microsatellite.
Coding change: c.809-58TG[31] on transcript NM_005159.5 (MANE Select); 31 copies in a row of the 2-base unit TG starting at c.809-58; the reference has 23 copies in a row; eight copies, 16 bases duplicated.
Molecular consequence: intron variant.
Genome position (GRCh38, 1-based): chr15:34,791,308-34,791,323, CACACACACACACACA duplicated on the plus strand (TGTGTGTGTGTGTGTG on the coding strand, the reverse complement: ACTC1 is on the minus strand); duplicating any 16 consecutive bases within chr15:34,791,308-34,791,353 gives the same sequence; the position shown is the placement nearest the transcript's 3' end. VCF-style (leftmost placement, unchanged base first): chr15-34791307-T-TCACACACACACACACA. GRCh37 (hg19) VCF-style: chr15-35083508-T-TCACACACACACACACA.
Other names: c.809-58TG[31] (NM_001406483.1, NM_001406482.1); c.368-58TG[31] (NM_001406485.1); c.674-58TG[31] (NM_001406484.1).
Identifiers: ClinVar variation 2573540 (VCV002573540.1), dbSNP rs59431308, ClinGen allele CA712279194.
Genomic context (GRCh38, chr15:34,791,307, plus strand): 5'-TTCATGATGCTATTGTAAGTTGTTTCATGGATGCCAGCAGATTCCATACCTGGGAACGAG[T>TCACACACACACACACA]CACACACACACACACACACACACACACACACACACACACACACACATCACAGTGCATTCA-3'

ClinVar aggregate classification (germline): Benign (1 of 4 stars; one submission).

Submission:

Women's Health and Genetics/Laboratory Corporation of America, LabCorp
Classification: Benign. Last evaluated: 2023-06-27. Review status: criteria provided, single submitter. Criteria: LabCorp Variant Classification Summary - May 2015. Collection method: clinical testing. Allele origin: germline.
Comment: Variant summary: ACTC1 c.809-28_809-13dup16 alters a nucleotide located close to a canonical splice site and therefore could affect mRNA splicing, leading to a significantly altered protein sequence. SpliceAI predicts no significant impact on normal splicing. However, these predictions have yet to be confirmed by functional studies. To our knowledge, no occurrence of c.809-28_809-13dup16 in individuals affected with Cardiomyopathy and no experimental evidence demonstrating its impact on protein function have been reported. No clinical diagnostic laboratories have submitted clinical-significance assessments for this variant to ClinVar after 2014. Based on the evidence outlined above, the variant was classified as Benign.